The following is an entry in ClinVar:

ClinVar aggregate classification (germline): Uncertain significance (1 of 4 stars; one submission).

Conditions:
Cardiomyopathy (CMYO). Also called: Cardiomyopathies. Identifiers: Orphanet 167848, MedGen C0878544, MONDO:0004994, HP:0001638. Inheritance: Various modes of inheritance.

Submission:

Color Diagnostics, LLC DBA Color Health
Classification: Uncertain significance for Cardiomyopathy. Last evaluated: 2024-03-06. Review status: criteria provided, single submitter. Criteria: ACMG Guidelines, 2015. Collection method: clinical testing. Allele origin: germline.
Comment: This missense variant replaces threonine with isoleucine at codon 70 of the DSP protein. Computational prediction suggests that this variant may not impact protein structure and function (internally defined REVEL score threshold <= 0.5, PMID: 27666373). To our knowledge, functional studies have not been reported for this variant. This variant has not been reported in individuals affected with cardiovascular disorders in the literature. This variant has not been identified in the general population by the Genome Aggregation Database (gnomAD). The available evidence is insufficient to determine the role of this variant in disease conclusively. Therefore, this variant is classified as a Variant of Uncertain Significance.

NM_004415.4(DSP):c.209C>T (p.Thr70Ile)

Gene: DSP (desmoplakin; plus strand). Cytogenetic location: 6p24.3.
Variant type: single nucleotide variant.
Coding change: c.209C>T on transcript NM_004415.4 (MANE Select); coding-DNA position 209, C replaced by T.
Protein change: p.Thr70Ile; replaces threonine 70 with isoleucine.
Molecular consequence: missense variant.
Genome position (GRCh38, 1-based): chr6:7,555,756, C>T. VCF-style: chr6-7555756-C-T. GRCh37 (hg19) VCF-style: chr6-7555989-C-T.
Other names: c.209C>T, p.Thr70Ile (NM_001008844.3, NM_001319034.2); short protein forms T70I.
Identifiers: ClinVar variation 1331864 (VCV001331864.3), dbSNP rs2113653829, ClinGen allele CA362670735.